The following is an entry in ClinVar:

NM_001366145.2(TRPM3):c.2424G>A (p.Met808Ile)

Gene: TRPM3 (transient receptor potential cation channel subfamily M member 3; minus strand). Cytogenetic location: 9q21.12.
Variant type: single nucleotide variant.
Coding change: c.2424G>A on transcript NM_001366145.2 (MANE Select); coding-DNA position 2424, G replaced by A.
Protein change: p.Met808Ile; replaces methionine 808 with isoleucine.
Molecular consequence: missense variant.
Genome position (GRCh38, 1-based): chr9:70,616,010, C>T on the plus strand (G>A on the coding strand, the complement: TRPM3 is on the minus strand). VCF-style: chr9-70616010-C-T. GRCh37 (hg19) VCF-style: chr9-73230926-C-T.
Other names: c.2388G>A, p.Met796Ile (NM_001007471.4, NM_001366151.2); c.2394G>A, p.Met798Ile (NM_001366141.2, NM_001366143.2, NM_001366149.2); c.2430G>A, p.Met810Ile (NM_001366142.2); c.2424G>A, p.Met808Ile (NM_001366146.2); c.2499G>A, p.Met833Ile (NM_001366147.2, NM_001366152.2); c.2469G>A, p.Met823Ile (NM_001366148.2); c.2358G>A, p.Met786Ile (NM_001366150.2); c.1965G>A, p.Met655Ile (NM_001366154.2, NM_024971.7); and 5 more; short protein forms M633I, M643I, M645I, M655I, M658I, M668I, M786I, M796I.
Identifiers: ClinVar variation 3370820 (VCV003370820.1).

ClinVar aggregate classification (germline): Uncertain significance (1 of 4 stars; one submission).

gnomAD v4.1: 2 of 1,612,156 alleles (0.00012%); highest among the groups gnomAD compares: South Asian, 0.0011%; no homozygotes.

Submission:

GeneDx
Classification: Uncertain significance. Last evaluated: 2024-03-13. Review status: criteria provided, single submitter. Criteria: GeneDx Variant Classification Process June 2021. Collection method: clinical testing. Allele origin: germline. Affected: yes.
Comment: Not observed at significant frequency in large population cohorts (gnomAD); In silico analysis supports that this missense variant does not alter protein structure/function; Has not been previously published as pathogenic or benign to our knowledge